The following is an entry in ClinVar:

NM_000334.4(SCN4A):c.483-4C>G

Gene: SCN4A (sodium voltage-gated channel alpha subunit 4; minus strand). Cytogenetic location: 17q23.3.
Variant type: single nucleotide variant.
Coding change: c.483-4C>G on transcript NM_000334.4 (MANE Select); 4 bases into the intron before coding-DNA position 483, C replaced by G.
Molecular consequence: intron variant.
Genome position (GRCh38, 1-based): chr17:63,971,854, G>C on the plus strand (C>G on the coding strand, the complement: SCN4A is on the minus strand). VCF-style: chr17-63971854-G-C. GRCh37 (hg19) VCF-style: chr17-62049214-G-C.
Identifiers: ClinVar variation 514731 (VCV000514731.12), dbSNP rs200062384, ClinGen allele CA8710133.

ClinVar aggregate classification (germline): Likely benign. Review status: criteria provided, multiple submitters, no conflicts (2 of 4 stars). 3 submissions from 3 submitters: Likely benign (3). Last evaluated 2025-11-17.

Conditions:
Paramyotonia congenita of Von Eulenburg. Also called: PARALYSIS PERIODICA PARAMYOTONICA; Paramyotonia Congenita; Eulenburg disease; Myotonia congenita intermittens; Von Eulenburg paramyotonia congenita. Identifiers: Orphanet 684, MedGen C0221055, MONDO:0008195, OMIM 168300. Disease mechanism: loss of function.
Hypokalemic periodic paralysis, type 2 (HOKPP2). Identifiers: Orphanet 681, MedGen C2750061, MONDO:0013234, OMIM 613345.
Hypokalemic periodic paralysis, type 1. Also called: Hypokalemic Periodic Paralysis Type 1 (AD); HypoPP. Identifiers: Orphanet 681, MedGen C3714580, MONDO:0042979, OMIM 170400.
Potassium-aggravated myotonia. Also called: MYOTONIA CONGENITA, ACETAZOLAMIDE-RESPONSIVE; MYOTONIA CONGENITA, ATYPICAL; Myotonia congenita, atypical, acetazolamide-responsive; SODIUM CHANNEL MUSCLE DISEASE. Identifiers: Orphanet 612, Orphanet 99734, Orphanet 99735, Orphanet 99736, MedGen C2931826, MONDO:0018959, OMIM 608390.
Congenital myasthenic syndrome 16. Identifiers: Orphanet 590, MedGen C3280112, MONDO:0013620, OMIM 614198.
Hyperkalemic periodic paralysis. Also called: Familial hyperkalemic periodic paralysis; Gamstorp disease. Identifiers: Orphanet 682, MedGen C0238357, MONDO:0008224, OMIM 170500, HP:0007215.

Allele frequency attached by ClinVar (database versions not stated): 1000 Genomes Project 30x 0.00016.
gnomAD v4.1: 52 of 1,525,044 alleles (0.0034%); highest among the groups gnomAD compares: African/African-American, 0.014%; no homozygotes.

Submissions (3):

Labcorp Genetics (formerly Invitae), Labcorp
Classification: Likely benign for Hyperkalemic periodic paralysis. Last evaluated: 2025-11-17. Review status: criteria provided, single submitter. Criteria: Invitae Variant Classification Sherloc (09022015). Collection method: clinical testing. Allele origin: germline.

Fulgent Genetics
Classification: Likely benign for Paramyotonia congenita of Von Eulenburg; Hypokalemic periodic paralysis, type 1; Hyperkalemic periodic paralysis; Potassium-aggravated myotonia; Hypokalemic periodic paralysis, type 2; Congenital myasthenic syndrome 16. Last evaluated: 2022-05-16. Review status: criteria provided, single submitter. Criteria: ACMG Guidelines, 2015. Collection method: clinical testing. Allele origin: unknown.

GeneDx
Classification: Likely benign. Last evaluated: 2018-01-18. Review status: criteria provided, single submitter. Criteria: GeneDx Variant Classification (06012015). Collection method: clinical testing. Allele origin: germline. Affected: yes.
Comment: This variant is considered likely benign or benign based on one or more of the following criteria: it is a conservative change, it occurs at a poorly conserved position in the protein, it is predicted to be benign by multiple in silico algorithms, and/or has population frequency not consistent with disease.